The following is an entry in ClinVar:

NM_001267550.2(TTN):c.48516CTT[1] (p.Phe16173del)

Genes: TTN-AS1 (TTN antisense RNA 1; plus strand), TTN (titin; minus strand). Cytogenetic location: 2q31.2.
Variant type: Microsatellite.
Coding change: c.48516CTT[1] on transcript NM_001267550.2 (MANE Select); one copy of the 3-base unit CTT starting at c.48516; the reference has two copies in a row; one copy, 3 bases deleted.
Protein change: p.Phe16173del; deletes phenylalanine 16173.
Molecular consequence: inframe deletion.
Genome position (GRCh38, 1-based): chr2:178,615,424-178,615,426, AAG deleted on the plus strand (CTT on the coding strand, the reverse complement: TTN is on the minus strand); deleting any 3 consecutive bases within chr2:178,615,424-178,615,430 gives the same sequence; the position shown is the placement nearest the transcript's 3' end. VCF-style (leftmost placement, unchanged base first): chr2-178615423-TAAG-T. GRCh37 (hg19) VCF-style: chr2-179480150-TAAG-T.
Other names: c.43593CTT[1], p.Phe14532del (NM_001256850.1); c.21321CTT[1], p.Phe7108del (NM_003319.4); c.40812CTT[1], p.Phe13605del (NM_133378.4); c.21696CTT[1], p.Phe7233del (NM_133432.3); c.21897CTT[1], p.Phe7300del (NM_133437.4); short protein forms F13605del, F14532del, F16173del, F7108del, F7233del, F7300del.
Identifiers: ClinVar variation 3251066 (VCV003251066.18), dbSNP rs2470738137.

ClinVar aggregate classification (germline): Uncertain significance (1 of 4 stars; one submission).

Submission:

CeGaT Center for Human Genetics Tuebingen
Classification: Uncertain significance. Last evaluated: 2024-06-01. Review status: criteria provided, single submitter. Criteria: CeGaT Center For Human Genetics Tuebingen Variant Classification Criteria Version 2. Collection method: clinical testing. Allele origin: germline. Affected: yes. Observed: 1 variant allele.
Comment: TTN: PM2, PM4:Supporting